The following is an entry in ClinVar:

NM_005121.3(MED13):c.2446A>G (p.Thr816Ala)

Gene: MED13 (mediator complex subunit 13; minus strand). Cytogenetic location: 17q23.2.
Variant type: single nucleotide variant.
Coding change: c.2446A>G on transcript NM_005121.3 (MANE Select); coding-DNA position 2446, A replaced by G.
Protein change: p.Thr816Ala; replaces threonine 816 with alanine.
Molecular consequence: missense variant.
Genome position (GRCh38, 1-based): chr17:61,985,030, T>C on the plus strand (A>G on the coding strand, the complement: MED13 is on the minus strand). VCF-style: chr17-61985030-T-C. GRCh37 (hg19) VCF-style: chr17-60062391-T-C.
Other names: NM_005121.3(MED13):c.2446A>G; p.Thr816Ala; short protein forms T816A.
Identifiers: ClinVar variation 2631333 (VCV002631333.2), dbSNP rs2509282650, ClinGen allele CA400510469.
Genomic context (GRCh38, chr17:61,985,030, plus strand): 5'-TTATCTCGAGCACAGATGAGGGAAGCTTACTTATGCAAGATAACGGGTCCAGATTTCCTG[T>C]CTTTGATTCCTTGCAGCTGGCTTTATCATCTGATCCATTTGCTGATTTTTTAGATCCAGG-3'
Protein context (NP_005112.2, residues 806-826): DDKASCKESK[Thr816Ala]GNLDPLSCIS

ClinVar aggregate classification (germline): Conflicting classifications of pathogenicity. Review status: criteria provided, conflicting classifications (1 of 4 stars). 2 submissions from 2 submitters: Likely pathogenic (1); Uncertain significance (1). Last evaluated 2026-08-12.

Conditions:
Complex neurodevelopmental disorder. Identifiers: Orphanet 528084, MedGen C5568766, MONDO:0100038.
MED13-related disorder. Also called: MED13-related condition.

Submissions (2):

Broad Center for Mendelian Genomics, Broad Institute of MIT and Harvard
Classification: Uncertain significance for Complex neurodevelopmental disorder. Last evaluated: 2026-08-12. Review status: criteria provided, single submitter. Criteria: ACMG Guidelines, 2015. Collection method: research. Allele origin: germline. Inheritance: Autosomal dominant inheritance. Study: GREGoR Consortium.
Comment: Trio genome analysis showed this variant to be de novo. The p.Thr816Ala variant in MED13 has not been previously reported in the literature in individuals with complex neurodevelopmental disorder, and was absent from large population studies. This variant has also been reported in ClinVar (Variation ID: 2631333) and has been interpreted as likely pathogenic by PreventionGenetics. Computational prediction tools, including splice predictors, and conservation analyses suggest that this variant may not impact the protein, though this information is not predictive enough to rule out pathogenicity. The number of missense variants reported in MED13 in the general population is lower than expected, suggesting there is little benign variation in this gene and slightly increasing the possibility that a missense variant in this gene may not be tolerated. In summary, the clinical significance of the p.Thr816Ala variant is uncertain. ACMG/AMP Criteria applied: BP4, PP2, PM2_supporting, PS2_supporting (Richards 2015).

PreventionGenetics, part of Exact Sciences
Classification: Likely pathogenic for MED13-related condition. Last evaluated: 2023-08-25. Review status: criteria provided, single submitter. Criteria: ACMG Guidelines, 2015. Collection method: clinical testing. Allele origin: germline.
Comment: The MED13 c.2446A>G variant is predicted to result in the amino acid substitution p.Thr816Ala. To our knowledge, this variant has not been reported in the literature or in a large population database, indicating this variant is rare. This variant is interpreted as likely pathogenic.